The following is an entry in ClinVar:

NM_005548.3(KARS1):c.1270G>C (p.Asp424His)

Gene: KARS1 (lysyl-tRNA synthetase 1; minus strand). Cytogenetic location: 16q23.1.
Variant type: single nucleotide variant.
Coding change: c.1270G>C on transcript NM_005548.3 (MANE Select); coding-DNA position 1270, G replaced by C.
Protein change: p.Asp424His; replaces aspartic acid 424 with histidine.
Molecular consequence: missense variant.
Genome position (GRCh38, 1-based): chr16:75,631,236, C>G on the plus strand (G>C on the coding strand, the complement: KARS1 is on the minus strand). VCF-style: chr16-75631236-C-G. GRCh37 (hg19) VCF-style: chr16-75665134-C-G.
Other names: c.1354G>C, p.Asp452His (NM_001130089.2); c.802G>C, p.Asp268His (NM_001378148.1); c.1354G>C (NM_001130089.1); short protein forms D268H, D424H, D452H.
Identifiers: ClinVar variation 1682417 (VCV001682417.6), dbSNP rs769484182, ClinGen allele CA8177324.
Genomic context (GRCh38, chr16:75,631,236, plus strand): 5'-GGAGCCTGGCTGTGGTCCGAGGTGGAGGGCATTCAACAGCTTTTGCCACACAGATATCAT[C>G]AAGAATTTTGCGAGTTTCTGGGACACAAATGCAAAAGTTAGGGCAGGAGACATCACACTA-3'
Protein context (NP_005539.1, residues 414-434): FETEETRKIL[Asp424His]DICVAKAVEC

ClinVar aggregate classification (germline): Uncertain significance. Review status: criteria provided, multiple submitters, no conflicts (2 of 4 stars). 2 submissions from 2 submitters: Uncertain significance (2). Last evaluated 2025-01-09.

gnomAD v4.1: 16 of 1,613,926 alleles (0.00099%); highest among the groups gnomAD compares: Admixed American, 0.023%; no homozygotes.

Submissions (2):

Ambry Genetics
Classification: Uncertain significance. Last evaluated: 2025-01-09. Review status: criteria provided, single submitter. Criteria: Ambry Variant Classification Scheme 2023. Collection method: clinical testing. Allele origin: germline.

Labcorp Genetics (formerly Invitae), Labcorp
Classification: Uncertain significance. Last evaluated: 2021-12-02. Review status: criteria provided, single submitter. Criteria: Invitae Variant Classification Sherloc (09022015). Collection method: clinical testing. Allele origin: germline.
Comment: This sequence change replaces aspartic acid, which is acidic and polar, with histidine, which is basic and polar, at codon 452 of the KARS protein (p.Asp452His). This variant is present in population databases (rs769484182, gnomAD 0.04%). This variant has not been reported in the literature in individuals affected with KARS-related conditions. Algorithms developed to predict the effect of missense changes on protein structure and function are either unavailable or do not agree on the potential impact of this missense change (SIFT: "Deleterious"; PolyPhen-2: "Probably Damaging"; Align-GVGD: "Class C0"). In summary, the available evidence is currently insufficient to determine the role of this variant in disease. Therefore, it has been classified as a Variant of Uncertain Significance.